The following is an entry in ClinVar:

ClinVar aggregate classification (germline): Uncertain significance (1 of 4 stars; one submission).

Conditions:
Nephronophthisis 14 (NPHP14). Identifiers: Orphanet 2318, MedGen C3539071, MONDO:0013916, OMIM 614844.

Allele frequency attached by ClinVar (database versions not stated): gnomAD exomes below 0.00001; gnomAD 0.00001; ExAC 0.00002.
gnomAD v4.1: 7 of 1,613,966 alleles (0.00043%); highest among the groups gnomAD compares: East Asian, 0.013%; no homozygotes.

Submission:

Labcorp Genetics (formerly Invitae), Labcorp
Classification: Uncertain significance for Nephronophthisis 14. Last evaluated: 2022-01-07. Review status: criteria provided, single submitter. Criteria: Invitae Variant Classification Sherloc (09022015). Collection method: clinical testing. Allele origin: germline.
Comment: This sequence change replaces serine, which is neutral and polar, with asparagine, which is neutral and polar, at codon 813 of the ZNF423 protein (p.Ser813Asn). This variant is present in population databases (rs748113449, gnomAD 0.04%). This variant has not been reported in the literature in individuals affected with ZNF423-related conditions. Algorithms developed to predict the effect of missense changes on protein structure and function (SIFT, PolyPhen-2, Align-GVGD) all suggest that this variant is likely to be tolerated. In summary, the available evidence is currently insufficient to determine the role of this variant in disease. Therefore, it has been classified as a Variant of Uncertain Significance.

NM_001379286.1(ZNF423):c.2462G>A (p.Ser821Asn)

Gene: ZNF423 (zinc finger protein 423; minus strand). Cytogenetic location: 16q12.1.
Variant type: single nucleotide variant.
Coding change: c.2462G>A on transcript NM_001379286.1 (MANE Select); coding-DNA position 2462, G replaced by A.
Protein change: p.Ser821Asn; replaces serine 821 with asparagine.
Molecular consequence: missense variant.
Genome position (GRCh38, 1-based): chr16:49,636,714, C>T on the plus strand (G>A on the coding strand, the complement: ZNF423 is on the minus strand). VCF-style: chr16-49636714-C-T. GRCh37 (hg19) VCF-style: chr16-49670625-C-T.
Other names: c.2258G>A, p.Ser753Asn (NM_001271620.2); c.2087G>A, p.Ser696Asn (NM_001330533.2); c.2438G>A, p.Ser813Asn (NM_015069.5); short protein forms S813N, S696N, S821N, S753N.
Identifiers: ClinVar variation 1922005 (VCV001922005.2), dbSNP rs748113449, ClinGen allele CA8046502.